The following is an entry in ClinVar:

ClinVar aggregate classification (germline): Uncertain significance. Review status: criteria provided, multiple submitters, no conflicts (2 of 4 stars). 8 submissions from 5 submitters: Uncertain significance (8). Last evaluated 2025-11-27.

Conditions:
Congenital myopathy 18. Also called: DIHYDROPYRIDINE RECEPTOR CONGENITAL MYOPATHY; DHPR CONGENITAL MYOPATHY; Myopathy, congenital, due to dihydropyridine receptor defect. Identifiers: MedGen C5830283, MONDO:0859514, OMIM 620246.
Hypokalemic periodic paralysis, type 1. Also called: Hypokalemic Periodic Paralysis Type 1 (AD); HypoPP. Identifiers: Orphanet 681, MedGen C3714580, MONDO:0042979, OMIM 170400.
Malignant hyperthermia, susceptibility to, 5 (MHS5). Also called: CACNA1S-Related Malignant Hyperthermia Susceptibility. Identifiers: Orphanet 423, MedGen C1866077, MONDO:0011163, OMIM 601887.
Thyrotoxic periodic paralysis, susceptibility to, 1 (TTPP1). Identifiers: Orphanet 79102, MedGen C2749982, MONDO:0008570, OMIM 188580.

Allele frequency attached by ClinVar (database versions not stated): gnomAD 0.00001; TOPMed 0.00001.
gnomAD v4.1: 45 of 1,614,076 alleles (0.0028%); highest among the groups gnomAD compares: Non-Finnish European, 0.0037%; no homozygotes.

Submissions (8):

Labcorp Genetics (formerly Invitae), Labcorp
Classification: Uncertain significance for Hypokalemic periodic paralysis, type 1; Malignant hyperthermia, susceptibility to, 5. Last evaluated: 2025-11-27. Review status: criteria provided, single submitter. Criteria: Invitae Variant Classification Sherloc (09022015). Collection method: clinical testing. Allele origin: germline.
Comment: This sequence change replaces arginine, which is basic and polar, with proline, which is neutral and non-polar, at codon 119 of the CACNA1S protein (p.Arg119Pro). This variant is present in population databases (rs749588662, gnomAD 0.002%). This variant has not been reported in the literature in individuals affected with CACNA1S-related conditions. ClinVar contains an entry for this variant (Variation ID: 294781). Invitae Evidence Modeling of protein sequence and biophysical properties (such as structural, functional, and spatial information, amino acid conservation, physicochemical variation, residue mobility, and thermodynamic stability) has been performed for this missense variant. However, the output from this modeling did not meet the statistical confidence thresholds required to predict the impact of this variant on CACNA1S protein function. In summary, the available evidence is currently insufficient to determine the role of this variant in disease. Therefore, it has been classified as a Variant of Uncertain Significance.

Color Diagnostics, LLC DBA Color Health
Classification: Uncertain significance for Malignant hyperthermia, susceptibility to, 5. Last evaluated: 2024-02-22. Review status: criteria provided, single submitter. Criteria: ACMG Guidelines, 2015. Collection method: clinical testing. Allele origin: germline.
Comment: This missense variant replaces arginine with proline at codon 119 of the CACNA1S protein. Computational prediction suggests that this variant may have deleterious impact on protein structure and function. To our knowledge, functional studies have not been reported for this variant. This variant has not been reported in individuals affected with CACNA1S-related disorders in the literature. This variant has been identified in 3/282878 chromosomes in the general population by the Genome Aggregation Database (gnomAD). The available evidence is insufficient to determine the role of this variant in disease conclusively. Therefore, this variant is classified as a Variant of Uncertain Significance.

Genome-Nilou Lab
Classification: Uncertain significance for Malignant hyperthermia, susceptibility to, 5. Last evaluated: 2023-04-11. Review status: criteria provided, single submitter. Criteria: ACMG Guidelines, 2015. Collection method: clinical testing. Allele origin: germline. Affected: no.

Genome-Nilou Lab
Classification: Uncertain significance for Thyrotoxic periodic paralysis, susceptibility to, 1. Last evaluated: 2023-04-11. Review status: criteria provided, single submitter. Criteria: ACMG Guidelines, 2015. Collection method: clinical testing. Allele origin: germline. Affected: no.

Genome-Nilou Lab
Classification: Uncertain significance for Congenital myopathy 18. Last evaluated: 2023-04-11. Review status: criteria provided, single submitter. Criteria: ACMG Guidelines, 2015. Collection method: clinical testing. Allele origin: germline. Affected: no.

Genome-Nilou Lab
Classification: Uncertain significance for Hypokalemic periodic paralysis, type 1. Last evaluated: 2023-04-11. Review status: criteria provided, single submitter. Criteria: ACMG Guidelines, 2015. Collection method: clinical testing. Allele origin: germline. Affected: no.

Fulgent Genetics
Classification: Uncertain significance for Hypokalemic periodic paralysis, type 1; Thyrotoxic periodic paralysis, susceptibility to, 1; Malignant hyperthermia, susceptibility to, 5. Last evaluated: 2022-02-26. Review status: criteria provided, single submitter. Criteria: ACMG Guidelines, 2015. Collection method: clinical testing. Allele origin: unknown.

Illumina Laboratory Services, Illumina
Classification: Uncertain significance for Hypokalemic periodic paralysis, type 1. Last evaluated: 2018-01-13. Review status: criteria provided, single submitter. Criteria: ICSL Variant Classification Criteria 13 December 2019. Collection method: clinical testing. Allele origin: germline.

NM_000069.3(CACNA1S):c.356G>C (p.Arg119Pro)

Gene: CACNA1S (calcium voltage-gated channel subunit alpha1 S; minus strand). Cytogenetic location: 1q32.1.
Variant type: single nucleotide variant.
Coding change: c.356G>C on transcript NM_000069.3 (MANE Select); coding-DNA position 356, G replaced by C.
Protein change: p.Arg119Pro; replaces arginine 119 with proline.
Molecular consequence: missense variant.
Genome position (GRCh38, 1-based): chr1:201,093,924, C>G on the plus strand (G>C on the coding strand, the complement: CACNA1S is on the minus strand). VCF-style: chr1-201093924-C-G. GRCh37 (hg19) VCF-style: chr1-201063052-C-G.
Other names: short protein forms R119P.
Identifiers: ClinVar variation 294781 (VCV000294781.15), dbSNP rs749588662, ClinGen allele CA082628.
Genomic context (GRCh38, chr1:201,093,924, plus strand): 5'-CCCACACCCAGCTCTCACCCCAGGAAGACAATGGTGAAGTCCAGCACATTCCAGCCACTG[C>G]GCAGGTAAGCGTCCTGGTGGAATAAGAAGCCGTAGGCAATGATCTTCATGGCGGCTTCAA-3'
Protein context (NP_000060.2, residues 109-129): GFLFHQDAYL[Arg119Pro]SGWNVLDFTI